The following is an entry in ClinVar:

ClinVar aggregate classification (germline): Uncertain significance. Review status: criteria provided, multiple submitters, no conflicts (2 of 4 stars). 2 submissions from 2 submitters: Uncertain significance (2). Last evaluated 2025-06-16.

Conditions:
Inborn genetic diseases. Identifiers: MedGen C0950123, MeSH D030342.

Allele frequency attached by ClinVar (database versions not stated): gnomAD exomes below 0.00001; ExAC 0.00001; gnomAD 0.00003; TOPMed 0.00003.

Submissions (2):

Labcorp Genetics (formerly Invitae), Labcorp
Classification: Uncertain significance. Last evaluated: 2025-06-16. Review status: criteria provided, single submitter. Criteria: Invitae Variant Classification Sherloc (09022015). Collection method: clinical testing. Allele origin: germline.
Comment: This sequence change replaces serine, which is neutral and polar, with alanine, which is neutral and non-polar, at codon 665 of the COL9A3 protein (p.Ser665Ala). The frequency data for this variant in the population databases is considered unreliable, as metrics indicate poor data quality at this position in the gnomAD database. This variant has not been reported in the literature in individuals affected with COL9A3-related conditions. ClinVar contains an entry for this variant (Variation ID: 2173493). Invitae Evidence Modeling of protein sequence and biophysical properties (such as structural, functional, and spatial information, amino acid conservation, physicochemical variation, residue mobility, and thermodynamic stability) indicates that this missense variant is not expected to disrupt COL9A3 protein function with a negative predictive value of 95%. In summary, the available evidence is currently insufficient to determine the role of this variant in disease. Therefore, it has been classified as a Variant of Uncertain Significance.

Ambry Genetics
Classification: Uncertain significance for Inborn genetic diseases. Last evaluated: 2024-11-15. Review status: criteria provided, single submitter. Criteria: Ambry Variant Classification Scheme 2023. Collection method: clinical testing. Allele origin: germline.

NM_001853.4(COL9A3):c.1993T>G (p.Ser665Ala)

Gene: COL9A3 (collagen type IX alpha 3 chain; plus strand). Cytogenetic location: 20q13.33.
Variant type: single nucleotide variant.
Coding change: c.1993T>G on transcript NM_001853.4 (MANE Select); coding-DNA position 1993, T replaced by G.
Protein change: p.Ser665Ala; replaces serine 665 with alanine.
Molecular consequence: missense variant.
Genome position (GRCh38, 1-based): chr20:62,840,670, T>G. VCF-style: chr20-62840670-T-G. GRCh37 (hg19) VCF-style: chr20-61472022-T-G.
Other names: c.1993T>G (NM_001853.3); short protein forms S665A.
Identifiers: ClinVar variation 2173493 (VCV002173493.5), dbSNP rs765664335, ClinGen allele CA9950281.
Genomic context (GRCh38, chr20:62,840,670, plus strand): 5'-GGAGATCCTGGGCTTCCAGGTGCCATTGGGGCCCAGGGGACACCGGGGATCTGCGACACC[T>G]CAGCCTGCCAAGGAGCCGTGTTAGGAGGGGTCGGGGAGAAATCAGGCTCTCGAAGCTCAT-3'
Protein context (NP_001844.3, residues 655-675): AQGTPGICDT[Ser665Ala]ACQGAVLGGV